The following is an entry in ClinVar:

ClinVar aggregate classification (germline): Conflicting classifications of pathogenicity. Review status: criteria provided, conflicting classifications (1 of 4 stars). 3 submissions from 3 submitters: Uncertain significance (2); Likely benign (1). Last evaluated 2025-05-15.

Conditions:
Hereditary breast ovarian cancer syndrome. Also called: Hereditary breast and ovarian cancer syndrome; Hereditary breast and ovarian cancer; Hereditary breast and ovarian cancer syndrome (HBOC); Breast and ovarian cancer; Hereditary breast and/or ovarian cancer syndrome; BRCA1- and BRCA2-Associated Hereditary Breast and Ovarian Cancer. Identifiers: Orphanet 145, MedGen C0677776, MeSH D061325, MONDO:0003582. Disease mechanism: loss of function.
Hereditary cancer-predisposing syndrome. Also called: Neoplastic Syndromes, Hereditary; Tumor predisposition; Hereditary Cancer Syndrome; Hereditary neoplastic syndrome. Identifiers: Orphanet 140162, MedGen C0027672, MeSH D009386, MONDO:0015356.

Submissions (3):

Ambry Genetics
Classification: Likely benign for Hereditary cancer-predisposing syndrome. Last evaluated: 2025-05-15. Review status: criteria provided, single submitter. Criteria: Ambry Variant Classification Scheme 2023. Collection method: clinical testing. Allele origin: germline.

Labcorp Genetics (formerly Invitae), Labcorp
Classification: Uncertain significance for Hereditary breast ovarian cancer syndrome. Last evaluated: 2022-01-12. Review status: criteria provided, single submitter. Criteria: Invitae Variant Classification Sherloc (09022015). Collection method: clinical testing. Allele origin: germline.
Comment: ClinVar contains an entry for this variant (Variation ID: 483021). In summary, the available evidence is currently insufficient to determine the role of this variant in disease. Therefore, it has been classified as a Variant of Uncertain Significance. Advanced modeling of protein sequence and biophysical properties (such as structural, functional, and spatial information, amino acid conservation, physicochemical variation, residue mobility, and thermodynamic stability) performed at Invitae indicates that this missense variant is not expected to disrupt BRCA2 protein function. This variant has not been reported in the literature in individuals affected with BRCA2-related conditions. This variant is not present in population databases (gnomAD no frequency). This sequence change replaces phenylalanine, which is neutral and non-polar, with leucine, which is neutral and non-polar, at codon 3077 of the BRCA2 protein (p.Phe3077Leu).

GeneDx
Classification: Uncertain significance. Last evaluated: 2017-11-22. Review status: criteria provided, single submitter. Criteria: GeneDx Variant Classification (06012015). Collection method: clinical testing. Allele origin: germline. Affected: yes.
Comment: This variant is denoted BRCA2 c.9229T>C at the cDNA level, p.Phe3077Leu (F3077L) at the proteinlevel, and results in the change of a Phenylalanine to a Leucine (TTT>CTT). Using alternate nomenclature, this variantwould be defined as BRCA2 9457T>C. This variant has not, to our knowledge, been published in the literature aspathogenic or benign. BRCA2 Phe3077Leu was not observed in large population cohorts (Lek 2016). SincePhenylalanine and Leucine share similar properties, this is considered a conservative amino acid substitution. BRCA2Phe3077Leu is located in DNA Binding Domain (Yang 2002). In-silico analyses, including protein predictors andevolutionary conservation, support that this variant does not alter protein structure or function. Based on currentlyavailable evidence, it is unclear whether BRCA2 Phe3077Leu is a pathogenic or benign variant. We consider it to be avariant of uncertain significance.

NM_000059.4(BRCA2):c.9229T>C (p.Phe3077Leu)

Gene: BRCA2 (BRCA2 DNA repair associated; plus strand). Cytogenetic location: 13q13.1.
Variant type: single nucleotide variant.
Coding change: c.9229T>C on transcript NM_000059.4 (MANE Select); coding-DNA position 9229, T replaced by C.
Protein change: p.Phe3077Leu; replaces phenylalanine 3077 with leucine.
Molecular consequence: missense variant.
Genome position (GRCh38, 1-based): chr13:32,380,118, T>C. VCF-style: chr13-32380118-T-C. GRCh37 (hg19) VCF-style: chr13-32954255-T-C.
Other names: short protein forms F3077L.
Identifiers: ClinVar variation 483021 (VCV000483021.15), dbSNP rs1555288568, ClinGen allele CA387758532.